The following is an entry in ClinVar:

ClinVar aggregate classification (germline): Uncertain significance (1 of 4 stars; one submission).

Conditions:
Hermansky-Pudlak syndrome 2 (HPS2). Also called: Platelet defects and oculocutaneous albinism. Identifiers: Orphanet 183678, Orphanet 79430, MedGen C1842362, MONDO:0011997, OMIM 608233.

Allele frequency attached by ClinVar (database versions not stated): TOPMed below 0.00001; gnomAD 0.00001; gnomAD exomes 0.00001 and 0.00002.

Submission:

Labcorp Genetics (formerly Invitae), Labcorp
Classification: Uncertain significance for Hermansky-Pudlak syndrome 2. Last evaluated: 2024-10-16. Review status: criteria provided, single submitter. Criteria: Invitae Variant Classification Sherloc (09022015). Collection method: clinical testing. Allele origin: germline.
Comment: This sequence change replaces glutamic acid, which is acidic and polar, with lysine, which is basic and polar, at codon 455 of the AP3B1 protein (p.Glu455Lys). This variant also falls at the last nucleotide of exon 13, which is part of the consensus splice site for this exon. This variant is present in population databases (no rsID available, gnomAD 0.01%). This variant has not been reported in the literature in individuals affected with AP3B1-related conditions. ClinVar contains an entry for this variant (Variation ID: 639784). An algorithm developed to predict the effect of missense changes on protein structure and function (PolyPhen-2) suggests that this variant is likely to be disruptive. Variants that disrupt the consensus splice site are a relatively common cause of aberrant splicing (PMID: 17576681, 9536098). Algorithms developed to predict the effect of sequence changes on RNA splicing suggest that this variant may disrupt the consensus splice site. In summary, the available evidence is currently insufficient to determine the role of this variant in disease. Therefore, it has been classified as a Variant of Uncertain Significance.

Literature cited by the submitters: PubMed 17576681; PubMed 9536098.

NM_003664.5(AP3B1):c.1363G>A (p.Glu455Lys)

Gene: AP3B1 (adaptor related protein complex 3 subunit beta 1; minus strand). Cytogenetic location: 5q14.1.
Variant type: single nucleotide variant.
Coding change: c.1363G>A on transcript NM_003664.5 (MANE Select); coding-DNA position 1363, G replaced by A.
Protein change: p.Glu455Lys; replaces glutamic acid 455 with lysine.
Molecular consequence: missense variant.
Genome position (GRCh38, 1-based): chr5:78,162,819, C>T on the plus strand (G>A on the coding strand, the complement: AP3B1 is on the minus strand). VCF-style: chr5-78162819-C-T. GRCh37 (hg19) VCF-style: chr5-77458643-C-T.
Other names: c.1216G>A, p.Glu406Lys (NM_001271769.2); short protein forms E455K, E406K.
Identifiers: ClinVar variation 639784 (VCV000639784.8), dbSNP rs1204234337, ClinGen allele CA360189891.